The following is an entry in ClinVar:

ClinVar aggregate classification (germline): Uncertain significance. Review status: criteria provided, multiple submitters, no conflicts (2 of 4 stars). 3 submissions from 3 submitters: Uncertain significance (3). Last evaluated 2024-09-11.

Conditions:
Inborn genetic diseases. Identifiers: MedGen C0950123, MeSH D030342.

Allele frequency attached by ClinVar (database versions not stated): gnomAD exomes below 0.00001; TOPMed below 0.00001.
gnomAD v4.1: 2 of 1,478,564 alleles (0.00014%); highest among the groups gnomAD compares: Non-Finnish European, 0.00018%; no homozygotes.

Submissions (3):

Ambry Genetics
Classification: Uncertain significance for Inborn genetic diseases. Last evaluated: 2024-09-11. Review status: criteria provided, single submitter. Criteria: Ambry Variant Classification Scheme 2023. Collection method: clinical testing. Allele origin: germline.

CeGaT Center for Human Genetics Tuebingen
Classification: Uncertain significance. Last evaluated: 2024-01-01. Review status: criteria provided, single submitter. Criteria: CeGaT Center For Human Genetics Tuebingen Variant Classification Criteria Version 2. Collection method: clinical testing. Allele origin: germline. Affected: yes. Observed: 1 variant allele.
Comment: BCL11B: PM2, PP2

Labcorp Genetics (formerly Invitae), Labcorp
Classification: Uncertain significance. Last evaluated: 2022-03-18. Review status: criteria provided, single submitter. Criteria: Invitae Variant Classification Sherloc (09022015). Collection method: clinical testing. Allele origin: germline.
Comment: In summary, the available evidence is currently insufficient to determine the role of this variant in disease. Therefore, it has been classified as a Variant of Uncertain Significance. Algorithms developed to predict the effect of missense changes on protein structure and function are either unavailable or do not agree on the potential impact of this missense change (SIFT: "Deleterious"; PolyPhen-2: "Not Available"; Align-GVGD: "Class C0"). This variant has not been reported in the literature in individuals affected with BCL11B-related conditions. This variant is not present in population databases (gnomAD no frequency). This sequence change replaces aspartic acid, which is acidic and polar, with tyrosine, which is neutral and polar, at codon 326 of the BCL11B protein (p.Asp326Tyr).

NM_138576.4(BCL11B):c.976G>T (p.Asp326Tyr)

Gene: BCL11B (BCL11 transcription factor B; minus strand). Cytogenetic location: 14q32.2.
Variant type: single nucleotide variant.
Coding change: c.976G>T on transcript NM_138576.4 (MANE Select); coding-DNA position 976, G replaced by T.
Protein change: p.Asp326Tyr; replaces aspartic acid 326 with tyrosine.
Molecular consequence: missense variant.
Genome position (GRCh38, 1-based): chr14:99,175,860, C>A on the plus strand (G>T on the coding strand, the complement: BCL11B is on the minus strand). VCF-style: chr14-99175860-C-A. GRCh37 (hg19) VCF-style: chr14-99642197-C-A.
Other names: c.976G>T (NM_138576.2); c.973G>T, p.Asp325Tyr (NM_001282237.2); c.760G>T, p.Asp254Tyr (NM_001282238.2); c.763G>T, p.Asp255Tyr (NM_022898.3); short protein forms D254Y, D255Y, D325Y, D326Y.
Identifiers: ClinVar variation 1935035 (VCV001935035.28), dbSNP rs1377895486, ClinGen allele CA390936378.
Genomic context (GRCh38, chr14:99,175,860, plus strand): 5'-CGAAGGCACTGGGGTGCTGGGCGACGAGCCCCATCTCCTCGGCACTGAGGCGGTGCGGGT[C>A]CAGGTGGTGGCGCGGCGGGGGACTGAAGAGAGGCGGCGTGCCCGGCAGGCGGCCCTCGCC-3'
Protein context (NP_612808.1, residues 316-336): LFSPPPRHHL[Asp326Tyr]PHRLSAEEMG